The following is an entry in ClinVar:

NM_015450.3(POT1):c.1030G>C (p.Glu344Gln)

Gene: POT1 (protection of telomeres 1; minus strand). Cytogenetic location: 7q31.33.
Variant type: single nucleotide variant.
Coding change: c.1030G>C on transcript NM_015450.3 (MANE Select); coding-DNA position 1030, G replaced by C.
Protein change: p.Glu344Gln; replaces glutamic acid 344 with glutamine.
Molecular consequence: missense variant. On other transcripts: non-coding transcript variant (3).
Genome position (GRCh38, 1-based): chr7:124,842,940, C>G on the plus strand (G>C on the coding strand, the complement: POT1 is on the minus strand). VCF-style: chr7-124842940-C-G. GRCh37 (hg19) VCF-style: chr7-124482994-C-G.
Other names: c.637G>C, p.Glu213Gln (NM_001042594.2); short protein forms E213Q, E344Q.
Identifiers: ClinVar variation 3662687 (VCV003662687.2).
Genomic context (GRCh38, chr7:124,842,940, plus strand): 5'-CTCGGATGCGGTATTGTTGAGGAGCTTTTTGTTTCAAAATGGCACATAGTGGTGTCCTCT[C>G]CAAATACTGATGATCTGTAAGTACTGTAAAGAATTTTTATATTCAATCAGAATAACAAGA-3'
Protein context (NP_056265.2, residues 334-354): ATILTDHQYL[Glu344Gln]RTPLCAILKQ

ClinVar aggregate classification (germline): Uncertain significance (1 of 4 stars; one submission).

Conditions:
Tumor predisposition syndrome 3 (TPDS3). Also called: Melanoma, cutaneous malignant, susceptibility to, 10; Glioma susceptibility 9; LONG TELOMERE SYNDROME, POT1-RELATED; POT1 Tumor Predisposition. Identifiers: Orphanet 618, MedGen C4014476, MONDO:0014368, OMIM 615848.

Submission:

Labcorp Genetics (formerly Invitae), Labcorp
Classification: Uncertain significance for Tumor predisposition syndrome 3. Last evaluated: 2024-08-17. Review status: criteria provided, single submitter. Criteria: Invitae Variant Classification Sherloc (09022015). Collection method: clinical testing. Allele origin: germline.
Comment: This sequence change replaces glutamic acid, which is acidic and polar, with glutamine, which is neutral and polar, at codon 344 of the POT1 protein (p.Glu344Gln). This variant is not present in population databases (gnomAD no frequency). This variant has not been reported in the literature in individuals affected with POT1-related conditions. Invitae Evidence Modeling of protein sequence and biophysical properties (such as structural, functional, and spatial information, amino acid conservation, physicochemical variation, residue mobility, and thermodynamic stability) indicates that this missense variant is not expected to disrupt POT1 protein function with a negative predictive value of 80%. In summary, the available evidence is currently insufficient to determine the role of this variant in disease. Therefore, it has been classified as a Variant of Uncertain Significance.